The following is an entry in ClinVar:

ClinVar aggregate classification (germline): Likely benign (1 of 4 stars; one submission).

Allele frequency attached by ClinVar (database versions not stated): gnomAD 0.00007; ESP Exome Variant Server 0.00008; TOPMed 0.00008; 1000 Genomes Project 30x 0.00031; 1000 Genomes Project 0.00040.
gnomAD v4.1: 26 of 1,579,008 alleles (0.0016%); highest among the groups gnomAD compares: African/African-American, 0.035%; no homozygotes.

Submission:

CeGaT Center for Human Genetics Tuebingen
Classification: Likely benign. Last evaluated: 2023-04-01. Review status: criteria provided, single submitter. Criteria: CeGaT Center For Human Genetics Tuebingen Variant Classification Criteria Version 2. Collection method: clinical testing. Allele origin: germline. Affected: yes. Observed: 1 variant allele.
Comment: SFI1: BP4, BP7

NM_001007467.3(SFI1):c.1930C>T (p.Leu644=)

Gene: SFI1 (SFI1 centrin binding protein; plus strand). Cytogenetic location: 22q12.2.
Variant type: single nucleotide variant.
Coding change: c.1930C>T on transcript NM_001007467.3 (MANE Select); coding-DNA position 1930, C replaced by T.
Protein change: p.Leu644=; no amino-acid change (leucine 644 retained).
Molecular consequence: synonymous variant.
Genome position (GRCh38, 1-based): chr22:31,604,357, C>T. VCF-style: chr22-31604357-C-T. GRCh37 (hg19) VCF-style: chr22-32000343-C-T.
Other names: c.1765C>T, p.Leu589= (NM_001258325.1); c.1684C>T, p.Leu562= (NM_001258326.2, NM_001258327.2); c.1837C>T, p.Leu613= (NM_014775.4).
Identifiers: ClinVar variation 2653070 (VCV002653070.24), dbSNP rs149899528, ClinGen allele CA10193657.